The following is an entry in ClinVar:

NM_024529.5(CDC73):c.512+5G>A

Gene: CDC73 (cell division cycle 73; plus strand). Cytogenetic location: 1q31.2.
Variant type: single nucleotide variant.
Coding change: c.512+5G>A on transcript NM_024529.5 (MANE Select); 5 bases into the intron after coding-DNA position 512, G replaced by A.
Molecular consequence: intron variant.
Genome position (GRCh38, 1-based): chr1:193,138,178, G>A. VCF-style: chr1-193138178-G-A. GRCh37 (hg19) VCF-style: chr1-193107308-G-A.
Identifiers: ClinVar variation 3265050 (VCV003265050.1).
Genomic context (GRCh38, chr1:193,138,178, plus strand): 5'-TTGGCTGCCCGTTTGGAGGGTCACAAAGAAGGGATTGTACAGACTGAACAGATTAGGTAA[G>A]AATTCTTTTTAAGTAGAAAGTAGGTAGTTTAGATATATGTAAAAGTATAAGGAAAAGGAA-3'

ClinVar aggregate classification (germline): Uncertain significance (1 of 4 stars; one submission).

Conditions:
Hereditary cancer-predisposing syndrome. Also called: Hereditary Cancer Syndrome; Tumor predisposition; Hereditary neoplastic syndrome; Neoplastic Syndromes, Hereditary. Identifiers: Orphanet 140162, MedGen C0027672, MeSH D009386, MONDO:0015356.

gnomAD v4.1: 1 of 1,588,968 alleles (0.000063%); highest among the groups gnomAD compares: African/African-American, 0.0013%; no homozygotes.

Submission:

Ambry Genetics
Classification: Uncertain significance for Hereditary cancer-predisposing syndrome. Last evaluated: 2024-04-18. Review status: criteria provided, single submitter. Criteria: Ambry Variant Classification Scheme 2023. Collection method: clinical testing. Allele origin: germline.
Comment: The c.512+5G>A intronic variant results from a G to A substitution 5 nucleotides after coding exon 6 in the CDC73 gene. This nucleotide position is highly conserved in available vertebrate species. In silico splice site analysis predicts that this alteration may weaken the native splice donor site. Based on the available evidence, the clinical significance of this variant remains unclear.